The following is an entry in ClinVar:

ClinVar aggregate classification (germline): Likely benign (0 of 4 stars; one submission).

Conditions:
ALMS1-related disorder. Also called: ALMS1-related condition.

Submission:

PreventionGenetics, part of Exact Sciences
Classification: Likely benign for ALMS1-related condition. Last evaluated: 2019-07-17. Review status: no assertion criteria provided. Collection method: clinical testing. Allele origin: germline.
Comment: This variant is classified as likely benign based on ACMG/AMP sequence variant interpretation guidelines (Richards et al. 2015 PMID: 25741868, with internal and published modifications).

NM_001378454.1(ALMS1):c.6609A>T (p.Gln2203His)

Gene: ALMS1 (ALMS1 centrosome and basal body associated protein; plus strand). Cytogenetic location: 2p13.1.
Variant type: single nucleotide variant.
Coding change: c.6609A>T on transcript NM_001378454.1 (MANE Select); coding-DNA position 6609, A replaced by T.
Protein change: p.Gln2203His; replaces glutamine 2203 with histidine.
Molecular consequence: missense variant.
Genome position (GRCh38, 1-based): chr2:73,453,136, A>T. VCF-style: chr2-73453136-A-T. GRCh37 (hg19) VCF-style: chr2-73680263-A-T.
Other names: c.6612A>T, p.Gln2204His (NM_015120.4); short protein forms Q2203H, Q2204H.
Identifiers: ClinVar variation 3351499 (VCV003351499.1).